The following is an entry in ClinVar:

NM_001853.4(COL9A3):c.890G>A (p.Ser297Asn)

Gene: COL9A3 (collagen type IX alpha 3 chain; plus strand). Cytogenetic location: 20q13.33.
Variant type: single nucleotide variant.
Coding change: c.890G>A on transcript NM_001853.4 (MANE Select); coding-DNA position 890, G replaced by A.
Protein change: p.Ser297Asn; replaces serine 297 with asparagine.
Molecular consequence: missense variant.
Genome position (GRCh38, 1-based): chr20:62,827,966, G>A. VCF-style: chr20-62827966-G-A. GRCh37 (hg19) VCF-style: chr20-61459318-G-A.
Other names: c.890G>A (NM_001853.3); short protein forms S297N.
Identifiers: ClinVar variation 3709657 (VCV003709657.3).

ClinVar aggregate classification (germline): Uncertain significance. Review status: criteria provided, multiple submitters, no conflicts (2 of 4 stars). 2 submissions from 2 submitters: Uncertain significance (2). Last evaluated 2025-01-21.

Conditions:
Inborn genetic diseases. Identifiers: MedGen C0950123, MeSH D030342.

gnomAD v4.1: 17 of 1,612,946 alleles (0.0011%); highest among the groups gnomAD compares: Non-Finnish European, 0.0014%; no homozygotes.

Submissions (2):

Ambry Genetics
Classification: Uncertain significance for Inborn genetic diseases. Last evaluated: 2025-01-21. Review status: criteria provided, single submitter. Criteria: Ambry Variant Classification Scheme 2023. Collection method: clinical testing. Allele origin: germline.

Labcorp Genetics (formerly Invitae), Labcorp
Classification: Uncertain significance. Last evaluated: 2024-02-02. Review status: criteria provided, single submitter. Criteria: Invitae Variant Classification Sherloc (09022015). Collection method: clinical testing. Allele origin: germline.
Comment: This sequence change replaces serine, which is neutral and polar, with asparagine, which is neutral and polar, at codon 297 of the COL9A3 protein (p.Ser297Asn). This variant is present in population databases (rs766243175, gnomAD 0.0009%). This variant has not been reported in the literature in individuals affected with COL9A3-related conditions. Advanced modeling of protein sequence and biophysical properties (such as structural, functional, and spatial information, amino acid conservation, physicochemical variation, residue mobility, and thermodynamic stability) performed at Invitae indicates that this missense variant is not expected to disrupt COL9A3 protein function with a negative predictive value of 95%. In summary, the available evidence is currently insufficient to determine the role of this variant in disease. Therefore, it has been classified as a Variant of Uncertain Significance.